The following is an entry in ClinVar:

ClinVar aggregate classification (germline): Conflicting classifications of pathogenicity. Review status: criteria provided, conflicting classifications (1 of 4 stars). 2 submissions from 2 submitters: Likely pathogenic (1); Uncertain significance (1). Last evaluated 2025-07-02.

Conditions:
Hereditary cancer-predisposing syndrome. Also called: Neoplastic Syndromes, Hereditary; Hereditary neoplastic syndrome; Tumor predisposition; Hereditary Cancer Syndrome. Identifiers: Orphanet 140162, MedGen C0027672, MeSH D009386, MONDO:0015356.
Cardiovascular phenotype. Identifiers: MedGen CN230736.
Neurofibromatosis, type 1 (NF1). Also called: VON RECKLINGHAUSEN DISEASE; NEUROFIBROMATOSIS, TYPE I, SOMATIC; Peripheral type neurofibromatosis; Neurofibromatosis, type I. Identifiers: Orphanet 636, MedGen C0027831, MONDO:0018975, OMIM 162200. Disease mechanism: loss of function.

Submissions (2):

Ambry Genetics
Classification: Likely pathogenic for Cardiovascular phenotype; Hereditary cancer-predisposing syndrome. Last evaluated: 2025-07-02. Review status: criteria provided, single submitter. Criteria: Ambry Variant Classification Scheme 2023. Collection method: clinical testing. Allele origin: germline.
Comment: The c.7136A>G (p.H2379R) alteration is located in exon 48 (coding exon 48) of the NF1 gene. This alteration results from a A to G substitution at nucleotide position 7136, causing the histidine (H) at amino acid position 2379 to be replaced by an arginine (R). This variant was not reported in population-based cohorts in the Genome Aggregation Database (gnomAD). This variant was reported in individual(s) with features consistent with Neurofibromatosis type 1; in at least one individual, it was determined to be de novo (external communication; Ambry internal data). This amino acid position is highly conserved in available vertebrate species. This alteration is predicted to be deleterious by in silico analysis. Based on the available evidence, this alteration is classified as likely pathogenic.

Labcorp Genetics (formerly Invitae), Labcorp
Classification: Uncertain significance for Neurofibromatosis, type 1. Last evaluated: 2018-10-20. Review status: criteria provided, single submitter. Criteria: Invitae Variant Classification Sherloc (09022015). Collection method: clinical testing. Allele origin: germline.
Comment: This sequence change replaces histidine with arginine at codon 2379 of the NF1 protein (p.His2379Arg). The histidine residue is moderately conserved and there is a small physicochemical difference between histidine and arginine. This variant is not present in population databases (ExAC no frequency). This variant has not been reported in the literature in individuals with NF1-related disease. Algorithms developed to predict the effect of missense changes on protein structure and function are either unavailable or do not agree on the potential impact of this missense change (SIFT: "Deleterious"; PolyPhen-2: "Possibly Damaging"; Align-GVGD: "Class C0"). In summary, the available evidence is currently insufficient to determine the role of this variant in disease. Therefore, it has been classified as a Variant of Uncertain Significance.

NM_001042492.3(NF1):c.7199A>G (p.His2400Arg)

Gene: NF1 (neurofibromin 1; plus strand). Cytogenetic location: 17q11.2.
Variant type: single nucleotide variant.
Coding change: c.7199A>G on transcript NM_001042492.3 (MANE Select); coding-DNA position 7199, A replaced by G.
Protein change: p.His2400Arg; replaces histidine 2400 with arginine.
Molecular consequence: missense variant.
Genome position (GRCh38, 1-based): chr17:31,349,129, A>G. VCF-style: chr17-31349129-A-G. GRCh37 (hg19) VCF-style: chr17-29676147-A-G.
Other names: c.7136A>G, p.His2379Arg (NM_000267.4); short protein forms H2379R, H2400R.
Identifiers: ClinVar variation 663441 (VCV000663441.9), dbSNP rs1597858362, ClinGen allele CA399016671.